The following is an entry in ClinVar:

ClinVar aggregate classification (germline): Uncertain significance (1 of 4 stars; one submission).

Conditions:
Hereditary pancreatitis (PCTT). Also called: Hereditary chronic pancreatitis; PRSS1-Related Hereditary Pancreatitis. Identifiers: Orphanet 676, MedGen C0238339, MONDO:0008185, OMIM 167800.

Submission:

Ambry Genetics
Classification: Uncertain significance for Hereditary pancreatitis. Last evaluated: 2025-07-17. Review status: criteria provided, single submitter. Criteria: Ambry Variant Classification Scheme 2023. Collection method: clinical testing. Allele origin: germline.
Comment: The p.H74L variant (also known as c.221A>T), located in coding exon 3 of the CTRC gene, results from an A to T substitution at nucleotide position 221. The histidine at codon 74 is replaced by leucine, an amino acid with similar properties. This amino acid position is conserved. In addition, this alteration is predicted to be deleterious by in silico analysis. Based on the available evidence, the clinical significance of this variant remains unclear.

NM_007272.3(CTRC):c.221A>T (p.His74Leu)

Gene: CTRC (chymotrypsin C; plus strand). Cytogenetic location: 1p36.21.
Variant type: single nucleotide variant.
Coding change: c.221A>T on transcript NM_007272.3 (MANE Select); coding-DNA position 221, A replaced by T.
Protein change: p.His74Leu; replaces histidine 74 with leucine.
Molecular consequence: missense variant.
Genome position (GRCh38, 1-based): chr1:15,440,581, A>T. VCF-style: chr1-15440581-A-T. GRCh37 (hg19) VCF-style: chr1-15767077-A-T.
Other names: short protein forms H74L.
Identifiers: ClinVar variation 4235800 (VCV004235800.1).